The following is an entry in ClinVar:

ClinVar aggregate classification (germline): Uncertain significance (1 of 4 stars; one submission).

Conditions:
Intellectual developmental disorder, autosomal dominant 1. Also called: MBD5 Haploinsufficiency; Intellectual disability, autosomal dominant 1. Identifiers: Orphanet 228402, MedGen C1969562, MONDO:0007974, OMIM 156200.

Allele frequency attached by ClinVar (database versions not stated): gnomAD exomes below 0.00001; TOPMed 0.00001; gnomAD 0.00001.
gnomAD v4.1: 6 of 1,613,930 alleles (0.00037%); highest among the groups gnomAD compares: Non-Finnish European, 0.00051%; no homozygotes.

Submission:

Labcorp Genetics (formerly Invitae), Labcorp
Classification: Uncertain significance for Intellectual developmental disorder, autosomal dominant 1. Last evaluated: 2024-10-15. Review status: criteria provided, single submitter. Criteria: Invitae Variant Classification Sherloc (09022015). Collection method: clinical testing. Allele origin: germline.
Comment: This sequence change replaces glutamic acid, which is acidic and polar, with glutamine, which is neutral and polar, at codon 1423 of the MBD5 protein (p.Glu1423Gln). This variant is not present in population databases (gnomAD no frequency). This variant has not been reported in the literature in individuals affected with MBD5-related conditions. ClinVar contains an entry for this variant (Variation ID: 1951287). Experimental studies and prediction algorithms are not available or were not evaluated, and the functional significance of this variant is currently unknown. In summary, the available evidence is currently insufficient to determine the role of this variant in disease. Therefore, it has been classified as a Variant of Uncertain Significance.

NM_001378120.1(MBD5):c.4966G>C (p.Glu1656Gln)

Gene: MBD5 (methyl-CpG binding domain protein 5; plus strand). Cytogenetic location: 2q23.1.
Variant type: single nucleotide variant.
Coding change: c.4966G>C on transcript NM_001378120.1 (MANE Select); coding-DNA position 4966, G replaced by C.
Protein change: p.Glu1656Gln; replaces glutamic acid 1656 with glutamine.
Molecular consequence: missense variant.
Genome position (GRCh38, 1-based): chr2:148,502,439, G>C. VCF-style: chr2-148502439-G-C. GRCh37 (hg19) VCF-style: chr2-149260008-G-C.
Other names: c.4267G>C, p.Glu1423Gln (NM_018328.5); short protein forms E1656Q, E1423Q.
Identifiers: ClinVar variation 1951287 (VCV001951287.5), dbSNP rs1215575099, ClinGen allele CA348858971.